The following is an entry in ClinVar:

NM_173582.6(PGM2L1):c.888A>C (p.Pro296=)

Gene: PGM2L1 (phosphoglucomutase 2 like 1; minus strand). Cytogenetic location: 11q13.4.
Variant type: single nucleotide variant.
Coding change: c.888A>C on transcript NM_173582.6 (MANE Select); coding-DNA position 888, A replaced by C.
Protein change: p.Pro296=; no amino-acid change (proline 296 retained).
Molecular consequence: synonymous variant.
Genome position (GRCh38, 1-based): chr11:74,347,199, T>G on the plus strand (A>C on the coding strand, the complement: PGM2L1 is on the minus strand). VCF-style: chr11-74347199-T-G. GRCh37 (hg19) VCF-style: chr11-74058244-T-G.
Identifiers: ClinVar variation 3898495 (VCV003898495.7).
Genomic context (GRCh38, chr11:74,347,199, plus strand): 5'-AAAAAATACCAGCACAGATTCTCCTTCTTCAGGATTTGGACATTTAACGGTAGAAAAGTC[T>G]GGATCAGGATCTTTTTGTTCTGGTACTGGAATTGGAGGCTTAAAACCAAACACTTTAAAA-3'
Protein context (NP_775853.2, residues 286-306): IPVPEQKDPD[Pro296=]DFSTVKCPNP

ClinVar aggregate classification (germline): Likely benign (1 of 4 stars; one submission).

gnomAD v4.1: 4 of 1,608,970 alleles (0.00025%); highest among the groups gnomAD compares: Non-Finnish European, 0.00025%; no homozygotes.

Submission:

CeGaT Center for Human Genetics Tuebingen
Classification: Likely benign. Last evaluated: 2025-04-01. Review status: criteria provided, single submitter. Criteria: CeGaT Center For Human Genetics Tuebingen Variant Classification Criteria Version 2. Collection method: clinical testing. Allele origin: germline. Affected: yes. Observed: 1 variant allele.
Comment: PGM2L1: BP4, BP7